The following is an entry in ClinVar:

NM_001377.3(DYNC2H1):c.8585G>A (p.Cys2862Tyr)

Gene: DYNC2H1 (dynein cytoplasmic 2 heavy chain 1; plus strand). Cytogenetic location: 11q22.3.
Variant type: single nucleotide variant.
Coding change: c.8585G>A on transcript NM_001377.3 (MANE Select); coding-DNA position 8585, G replaced by A.
Protein change: p.Cys2862Tyr; replaces cysteine 2862 with tyrosine.
Molecular consequence: missense variant.
Genome position (GRCh38, 1-based): chr11:103,211,834, G>A. VCF-style: chr11-103211834-G-A. GRCh37 (hg19) VCF-style: chr11-103082563-G-A.
Other names: c.8585G>A, p.Cys2862Tyr (NM_001080463.2); short protein forms C2862Y.
Identifiers: ClinVar variation 879606 (VCV000879606.12), dbSNP rs368447956, ClinGen allele CA6254485.

ClinVar aggregate classification (germline): Uncertain significance. Review status: criteria provided, multiple submitters, no conflicts (2 of 4 stars). 5 submissions from 5 submitters: Uncertain significance (3). 2 of the submissions do not count toward it. Last evaluated 2024-10-23.

Conditions:
Jeune thoracic dystrophy. Also called: Jeune syndrome; Infantile thoracic dystrophy; Thoracic pelvic phalangeal dystrophy; Jeune's syndrome; Chondroectodermal dysplasia-like syndrome; Short-rib thoracic dysplasia. Identifiers: Orphanet 474, MedGen C0265275, MONDO:0018770.
Retinal dystrophy. Also called: Inherited retinal dystrophy. Identifiers: Orphanet 71862, MedGen C0854723, MeSH D058499, MONDO:0019118, HP:0000556.
Asphyxiating thoracic dystrophy 3. Also called: SHORT-RIB THORACIC DYSPLASIA 3 WITH OR WITHOUT POLYDACTYLY; POLYDACTYLY WITH NEONATAL CHONDRODYSTROPHY, TYPE I; SHORT-RIB THORACIC DYSPLASIA 3/6 WITH POLYDACTYLY, DIGENIC; Short rib polydactyly syndrome 2B; Saldino-Noonan Syndrome. Identifiers: Orphanet 474, Orphanet 93269, Orphanet 93270, Orphanet 93271, MedGen C0036069, MONDO:0013127, OMIM 613091.

Allele frequency attached by ClinVar (database versions not stated): ESP Exome Variant Server 0.00009; TOPMed 0.00009; gnomAD exomes 0.00010; ExAC 0.00017.
gnomAD v4.1: 106 of 1,428,642 alleles (0.0074%); highest among the groups gnomAD compares: Non-Finnish European, 0.0092%; no homozygotes.

Submissions (5):

Blueprint Genetics
Classification: Uncertain significance. Last evaluated: 2024-10-23. Review status: criteria provided, single submitter. Criteria: ACMG Guidelines, 2015. Collection method: clinical testing. Allele origin: germline.

Labcorp Genetics (formerly Invitae), Labcorp
Classification: Uncertain significance for Jeune thoracic dystrophy. Last evaluated: 2022-09-29. Review status: criteria provided, single submitter. Criteria: Invitae Variant Classification Sherloc (09022015). Collection method: clinical testing. Allele origin: germline.
Comment: This sequence change replaces cysteine, which is neutral and slightly polar, with tyrosine, which is neutral and polar, at codon 2862 of the DYNC2H1 protein (p.Cys2862Tyr). This variant is present in population databases (rs368447956, gnomAD 0.03%). This variant has not been reported in the literature in individuals affected with DYNC2H1-related conditions. ClinVar contains an entry for this variant (Variation ID: 879606). Advanced modeling of protein sequence and biophysical properties (such as structural, functional, and spatial information, amino acid conservation, physicochemical variation, residue mobility, and thermodynamic stability) performed at Invitae indicates that this missense variant is expected to disrupt DYNC2H1 protein function. In summary, the available evidence is currently insufficient to determine the role of this variant in disease. Therefore, it has been classified as a Variant of Uncertain Significance.

Illumina Laboratory Services, Illumina
Classification: Uncertain significance for Asphyxiating thoracic dystrophy 3. Last evaluated: 2018-01-12. Review status: criteria provided, single submitter. Criteria: ICSL Variant Classification Criteria 13 December 2019. Collection method: clinical testing. Allele origin: germline.

Institute of Human Genetics, Univ. Regensburg, Univ. Regensburg
Classification: Uncertain significance for Retinal dystrophy. Last evaluated: 2022-01-01. Review status: no assertion criteria provided. Criteria: ACMG Guidelines, 2015. Collection method: clinical testing. Allele origin: germline. Affected: yes. Not counted in ClinVar's aggregate classification.

Department of Pathology and Laboratory Medicine, Sinai Health System
Classification: Uncertain significance. Review status: no assertion criteria provided. Collection method: clinical testing. Allele origin: unknown. Affected: yes. Study: The Canadian Open Genetics Repository (COGR). Not counted in ClinVar's aggregate classification.
Comment: The DYNC2H1 p.Cys2862Tyr variant was not identified in the literature nor was it identified in ClinVar, Cosmic or LOVD 3.0. The variant was identified in dbSNP (ID: rs368447956) and in control databases in 14 of 132652 chromosomes at a frequency of 0.000106 (Genome Aggregation Database March 6, 2019, v2.1.1). The variant was observed in the European (non-Finnish) population in 14 of 58974 chromosomes (freq: 0.000237), but was not observed in the African, Latino, Ashkenazi Jewish, East Asian, European (Finnish), Other or South Asian populations. The variant occurs outside of the splicing consensus sequence and in silico or computational prediction software programs (SpliceSiteFinder, MaxEntScan, NNSPLICE, GeneSplicer) do not predict a difference in splicing. The p.Cys2862 residue is conserved in mammals and computational analyses (PolyPhen-2, SIFT, AlignGVGD, BLOSUM, MutationTaster) provide inconsistent predictions regarding the impact to the protein; this information is not very predictive of pathogenicity. In summary, based on the above information the clinical significance of this variant cannot be determined with certainty at this time. This variant is classified as a variant of uncertain significance.